The following is an entry in ClinVar:

NM_006393.3(NEBL):c.2816T>A (p.Met939Lys)

Gene: NEBL (nebulette; minus strand). Cytogenetic location: 10p12.31.
Variant type: single nucleotide variant.
Coding change: c.2816T>A on transcript NM_006393.3 (MANE Select); coding-DNA position 2816, T replaced by A.
Protein change: p.Met939Lys; replaces methionine 939 with lysine.
Molecular consequence: missense variant.
Genome position (GRCh38, 1-based): chr10:20,787,254, A>T on the plus strand (T>A on the coding strand, the complement: NEBL is on the minus strand). VCF-style: chr10-20787254-A-T. GRCh37 (hg19) VCF-style: chr10-21076183-A-T.
Other names: c.584T>A, p.Met195Lys (NM_001173484.2, NM_213569.2); c.677T>A, p.Met226Lys (NM_001377322.1); c.536T>A, p.Met179Lys (NM_001377323.1); c.527T>A, p.Met176Lys (NM_001377324.1); c.518T>A, p.Met173Lys (NM_001377325.1); c.476T>A, p.Met159Lys (NM_001377326.1, NM_001377327.1, NM_001377328.1); short protein forms M159K, M173K, M195K, M226K, M176K, M179K, M939K.
Identifiers: ClinVar variation 1900734 (VCV001900734.6), dbSNP rs1186569120, ClinGen allele CA376092505.

ClinVar aggregate classification (germline): Uncertain significance. Review status: criteria provided, multiple submitters, no conflicts (2 of 4 stars). 2 submissions from 2 submitters: Uncertain significance (2). Last evaluated 2025-03-09.

Conditions:
Primary dilated cardiomyopathy (DCM). Also called: Dilated Cardiomyopathy. Identifiers: Orphanet 217604, MedGen C0007193, MeSH D002311, MONDO:0005021, HP:0001644. Inheritance: Various modes of inheritance.

gnomAD v4.1: 1 of 1,613,646 alleles (0.000062%); highest among the groups gnomAD compares: Admixed American, 0.0017%; no homozygotes.

Submissions (2):

Ambry Genetics
Classification: Uncertain significance. Last evaluated: 2025-03-09. Review status: criteria provided, single submitter. Criteria: Ambry Variant Classification Scheme 2023. Collection method: clinical testing. Allele origin: germline.
Comment: The p.M939K variant (also known as c.2816T>A), located in coding exon 27 of the NEBL gene, results from a T to A substitution at nucleotide position 2816. The methionine at codon 939 is replaced by lysine, an amino acid with similar properties. This amino acid position is conserved. In addition, the in silico prediction for this alteration is inconclusive. Based on the available evidence, the clinical significance of this variant remains unclear.

Labcorp Genetics (formerly Invitae), Labcorp
Classification: Uncertain significance for Primary dilated cardiomyopathy. Last evaluated: 2022-03-18. Review status: criteria provided, single submitter. Criteria: Invitae Variant Classification Sherloc (09022015). Collection method: clinical testing. Allele origin: germline.
Comment: Algorithms developed to predict the effect of missense changes on protein structure and function are either unavailable or do not agree on the potential impact of this missense change (SIFT: "Deleterious"; PolyPhen-2: "Benign"; Align-GVGD: "Class C55"). This sequence change replaces methionine, which is neutral and non-polar, with lysine, which is basic and polar, at codon 939 of the NEBL protein (p.Met939Lys). This variant is present in population databases (no rsID available, gnomAD 0.006%). This variant has not been reported in the literature in individuals affected with NEBL-related conditions. In summary, the available evidence is currently insufficient to determine the role of this variant in disease. Therefore, it has been classified as a Variant of Uncertain Significance.